The following is an entry in ClinVar:

NM_002471.4(MYH6):c.4595G>A (p.Arg1532His)

Gene: MYH6 (myosin heavy chain 6; minus strand). Cytogenetic location: 14q11.2.
Variant type: single nucleotide variant.
Coding change: c.4595G>A on transcript NM_002471.4 (MANE Select); coding-DNA position 4595, G replaced by A.
Protein change: p.Arg1532His; replaces arginine 1532 with histidine.
Molecular consequence: missense variant.
Genome position (GRCh38, 1-based): chr14:23,387,584, C>T on the plus strand (G>A on the coding strand, the complement: MYH6 is on the minus strand). VCF-style: chr14-23387584-C-T. GRCh37 (hg19) VCF-style: chr14-23856793-C-T.
Other names: short protein forms R1532H.
Identifiers: ClinVar variation 505418 (VCV000505418.18), dbSNP rs34330111, ClinGen allele CA7114707.

ClinVar aggregate classification (germline): Uncertain significance. Review status: criteria provided, multiple submitters, no conflicts (2 of 4 stars). 4 submissions from 4 submitters: Uncertain significance (4). Last evaluated 2025-08-27.

Conditions:
Hypertrophic cardiomyopathy 14. Identifiers: MedGen C2750467, MONDO:0013197, OMIM 613251.
Cardiovascular phenotype. Identifiers: MedGen CN230736.

Allele frequency attached by ClinVar (database versions not stated): TOPMed 0.00002.
gnomAD v4.1: 22 of 1,613,948 alleles (0.0014%); highest among the groups gnomAD compares: South Asian, 0.0033%; no homozygotes.

Submissions (4):

GeneDx
Classification: Uncertain significance. Last evaluated: 2025-08-27. Review status: criteria provided, single submitter. Criteria: GeneDx Variant Classification Process June 2021. Collection method: clinical testing. Allele origin: germline. Affected: yes.
Comment: Not observed at significant frequency in large population cohorts (gnomAD); In silico analysis supports that this missense variant has a deleterious effect on protein structure/function; Has not been previously published as pathogenic or benign to our knowledge

Ambry Genetics
Classification: Uncertain significance for Cardiovascular phenotype. Last evaluated: 2024-10-07. Review status: criteria provided, single submitter. Criteria: Ambry Variant Classification Scheme 2023. Collection method: clinical testing. Allele origin: germline.
Comment: The p.R1532H variant (also known as c.4595G>A), located in coding exon 30 of the MYH6 gene, results from a G to A substitution at nucleotide position 4595. The arginine at codon 1532 is replaced by histidine, an amino acid with highly similar properties. This amino acid position is conserved. In addition, the in silico prediction for this alteration is inconclusive. Since supporting evidence is limited at this time, the clinical significance of this alteration remains unclear.

Labcorp Genetics (formerly Invitae), Labcorp
Classification: Uncertain significance for Hypertrophic cardiomyopathy 14. Last evaluated: 2024-01-03. Review status: criteria provided, single submitter. Criteria: Invitae Variant Classification Sherloc (09022015). Collection method: clinical testing. Allele origin: germline.
Comment: This sequence change replaces arginine, which is basic and polar, with histidine, which is basic and polar, at codon 1532 of the MYH6 protein (p.Arg1532His). This variant is present in population databases (rs34330111, gnomAD 0.01%). This variant has not been reported in the literature in individuals affected with MYH6-related conditions. ClinVar contains an entry for this variant (Variation ID: 505418). Advanced modeling of protein sequence and biophysical properties (such as structural, functional, and spatial information, amino acid conservation, physicochemical variation, residue mobility, and thermodynamic stability) performed at Invitae indicates that this missense variant is expected to disrupt MYH6 protein function with a positive predictive value of 80%. In summary, the available evidence is currently insufficient to determine the role of this variant in disease. Therefore, it has been classified as a Variant of Uncertain Significance.

Laboratory for Molecular Medicine, Mass General Brigham Personalized Medicine
Classification: Uncertain significance. Last evaluated: 2016-11-17. Review status: criteria provided, single submitter. Criteria: LMM Criteria. Collection method: clinical testing. Allele origin: germline. Observed: 1 variant allele.
Comment: The p.Arg1532His variant in MYH6 has not been previously reported in individuals with cardiomyopathy, but has been identified in 2/66736 European chromosomes by the Exome Aggregation Consortium (ExAC; dbSNP r s34330111). Computational prediction tools and conservation analysis suggest tha t the p.Arg1532His variant may impact the protein, though this information is no t predictive enough to determine pathogenicity. In summary, the clinical signifi cance of the p.Arg1532His variant is uncertain.